The following is an entry in ClinVar:

NM_001308093.3(GATA4):c.898A>G (p.Met300Val)

Gene: GATA4 (GATA binding protein 4). Cytogenetic location: 8p23.1.
Variant type: single nucleotide variant.
Coding change: c.898A>G on transcript NM_001308093.3 (MANE Select); coding-DNA position 898, A replaced by G.
Protein change: p.Met300Val; replaces methionine 300 with valine.
Molecular consequence: missense variant. On other transcripts: intron variant (1).
Genome position (GRCh38, 1-based): chr8:11,750,222, A>G. VCF-style: chr8-11750222-A-G. GRCh37 (hg19) VCF-style: chr8-11607731-A-G.
Other names: c.277A>G, p.Met93Val (NM_001308094.2, NM_001374273.1); c.895A>G, p.Met299Val (NM_002052.5); c.165+1137A>G (NM_001374274.1); short protein forms M299V, M300V, M93V.
Identifiers: ClinVar variation 3665844 (VCV003665844.2).

ClinVar aggregate classification (germline): Uncertain significance (1 of 4 stars; one submission).

Conditions:
Atrioventricular septal defect 4 (AVSD4). Identifiers: MedGen C3280781, MONDO:0013747, OMIM 614430.

Submission:

Labcorp Genetics (formerly Invitae), Labcorp
Classification: Uncertain significance for Atrioventricular septal defect 4. Last evaluated: 2024-01-16. Review status: criteria provided, single submitter. Criteria: Invitae Variant Classification Sherloc (09022015). Collection method: clinical testing. Allele origin: germline.
Comment: This sequence change replaces methionine, which is neutral and non-polar, with valine, which is neutral and non-polar, at codon 299 of the GATA4 protein (p.Met299Val). This variant is present in population databases (no rsID available, gnomAD 0.0009%). This variant has not been reported in the literature in individuals affected with GATA4-related conditions. Advanced modeling of protein sequence and biophysical properties (such as structural, functional, and spatial information, amino acid conservation, physicochemical variation, residue mobility, and thermodynamic stability) performed at Invitae indicates that this missense variant is expected to disrupt GATA4 protein function with a positive predictive value of 80%. In summary, the available evidence is currently insufficient to determine the role of this variant in disease. Therefore, it has been classified as a Variant of Uncertain Significance.